The following is an entry in ClinVar:

NM_020884.7(MYH7B):c.866A>G (p.Tyr289Cys)

Gene: MYH7B (myosin heavy chain 7B; plus strand). Cytogenetic location: 20q11.22.
Variant type: single nucleotide variant.
Coding change: c.866A>G on transcript NM_020884.7 (MANE Select); coding-DNA position 866, A replaced by G.
Protein change: p.Tyr289Cys; replaces tyrosine 289 with cysteine.
Molecular consequence: missense variant.
Genome position (GRCh38, 1-based): chr20:34,986,160, A>G. VCF-style: chr20-34986160-A-G. GRCh37 (hg19) VCF-style: chr20-33573963-A-G.
Other names: c.992A>G (NM_020884.3); short protein forms Y289C.
Identifiers: ClinVar variation 1450125 (VCV001450125.9), dbSNP rs372059170, ClinGen allele CA9826687.

ClinVar aggregate classification (germline): Uncertain significance. Review status: criteria provided, multiple submitters, no conflicts (2 of 4 stars). 2 submissions from 2 submitters: Uncertain significance (2). Last evaluated 2025-10-17.

Allele frequency attached by ClinVar (database versions not stated): gnomAD 0.00003 and 0.00002; gnomAD exomes 0.00003 and 0.00004; ESP Exome Variant Server 0.00008; ExAC 0.00009; TOPMed 0.00002.
gnomAD v4.1: 46 of 1,599,778 alleles (0.0029%); highest among the groups gnomAD compares: Non-Finnish European, 0.0038%; no homozygotes.

Submissions (2):

Labcorp Genetics (formerly Invitae), Labcorp
Classification: Uncertain significance. Last evaluated: 2025-10-17. Review status: criteria provided, single submitter. Criteria: Invitae Variant Classification Sherloc (09022015). Collection method: clinical testing. Allele origin: germline.
Comment: This sequence change replaces tyrosine, which is neutral and polar, with cysteine, which is neutral and slightly polar, at codon 331 of the MYH7B protein (p.Tyr331Cys). This variant is present in population databases (rs372059170, gnomAD 0.009%). This variant has not been reported in the literature in individuals affected with MYH7B-related conditions. ClinVar contains an entry for this variant (Variation ID: 1450125). Invitae Evidence Modeling of protein sequence and biophysical properties (such as structural, functional, and spatial information, amino acid conservation, physicochemical variation, residue mobility, and thermodynamic stability) indicates that this missense variant is expected to disrupt MYH7B protein function with a positive predictive value of 80%. In summary, the available evidence is currently insufficient to determine the role of this variant in disease. Therefore, it has been classified as a Variant of Uncertain Significance.

Ambry Genetics
Classification: Uncertain significance. Last evaluated: 2022-05-27. Review status: criteria provided, single submitter. Criteria: Ambry Variant Classification Scheme 2023. Collection method: clinical testing. Allele origin: germline.